The following is an entry in ClinVar:

NM_000193.4(SHH):c.149A>G (p.Asn50Ser)

Gene: SHH (sonic hedgehog signaling molecule; minus strand). Cytogenetic location: 7q36.3.
Variant type: single nucleotide variant.
Coding change: c.149A>G on transcript NM_000193.4 (MANE Select); coding-DNA position 149, A replaced by G.
Protein change: p.Asn50Ser; replaces asparagine 50 with serine.
Molecular consequence: missense variant.
Genome position (GRCh38, 1-based): chr7:155,811,974, T>C on the plus strand (A>G on the coding strand, the complement: SHH is on the minus strand). VCF-style: chr7-155811974-T-C. GRCh37 (hg19) VCF-style: chr7-155604668-T-C.
Other names: short protein forms N50S.
Identifiers: ClinVar variation 2662223 (VCV002662223.1), dbSNP rs1803532783, ClinGen allele CA370151893.

ClinVar aggregate classification (germline): Uncertain significance (1 of 4 stars; one submission).

Allele frequency attached by ClinVar (database versions not stated): TOPMed below 0.00001.

Submission:

GeneDx
Classification: Uncertain significance. Last evaluated: 2023-05-10. Review status: criteria provided, single submitter. Criteria: GeneDx Variant Classification Process June 2021. Collection method: clinical testing. Allele origin: germline. Affected: yes.
Comment: Not observed at significant frequency in large population cohorts (gnomAD); In silico analysis supports that this missense variant has a deleterious effect on protein structure/function; Has not been previously published as pathogenic or benign to our knowledge